The following is an entry in ClinVar:

NM_004974.4(KCNA2):c.680C>T (p.Thr227Ile)

Gene: KCNA2 (potassium voltage-gated channel subfamily A member 2; minus strand). Cytogenetic location: 1p13.3.
Variant type: single nucleotide variant.
Coding change: c.680C>T on transcript NM_004974.4 (MANE Select); coding-DNA position 680, C replaced by T.
Protein change: p.Thr227Ile; replaces threonine 227 with isoleucine.
Molecular consequence: missense variant.
Genome position (GRCh38, 1-based): chr1:110,604,103, G>A on the plus strand (C>T on the coding strand, the complement: KCNA2 is on the minus strand). VCF-style: chr1-110604103-G-A. GRCh37 (hg19) VCF-style: chr1-111146725-G-A.
Other names: c.680C>T, p.Thr227Ile (NM_001204269.2); short protein forms T227I.
Identifiers: ClinVar variation 1464399 (VCV001464399.6), dbSNP rs2101400149, ClinGen allele CA341603450.

ClinVar aggregate classification (germline): Uncertain significance (1 of 4 stars; one submission).

Conditions:
Developmental and epileptic encephalopathy, 32 (DEE32). Also called: Epileptic encephalopathy, early infantile, 32. Identifiers: Orphanet 442835, MedGen C4225350, MONDO:0014607, OMIM 616366.

Submission:

Labcorp Genetics (formerly Invitae), Labcorp
Classification: Uncertain significance for Developmental and epileptic encephalopathy, 32. Last evaluated: 2021-11-19. Review status: criteria provided, single submitter. Criteria: Invitae Variant Classification Sherloc (09022015). Collection method: clinical testing. Allele origin: germline.
Comment: This sequence change replaces threonine, which is neutral and polar, with isoleucine, which is neutral and non-polar, at codon 227 of the KCNA2 protein (p.Thr227Ile). In summary, the available evidence is currently insufficient to determine the role of this variant in disease. Therefore, it has been classified as a Variant of Uncertain Significance. Advanced modeling of protein sequence and biophysical properties (such as structural, functional, and spatial information, amino acid conservation, physicochemical variation, residue mobility, and thermodynamic stability) performed at Invitae indicates that this missense variant is expected to disrupt KCNA2 protein function. This variant has not been reported in the literature in individuals affected with KCNA2-related conditions. This variant is not present in population databases (gnomAD no frequency).